The following is an entry in ClinVar:

NM_017757.3(ZNF407):c.5797C>G (p.Gln1933Glu)

Gene: ZNF407 (zinc finger protein 407; plus strand). Cytogenetic location: 18q22.3.
Variant type: single nucleotide variant.
Coding change: c.5797C>G on transcript NM_017757.3 (MANE Select); coding-DNA position 5797, C replaced by G.
Protein change: p.Gln1933Glu; replaces glutamine 1933 with glutamic acid.
Molecular consequence: missense variant.
Genome position (GRCh38, 1-based): chr18:75,063,518, C>G. VCF-style: chr18-75063518-C-G. GRCh37 (hg19) VCF-style: chr18-72775474-C-G.
Other names: c.5797C>G, p.Gln1933Glu (NM_001384475.1); short protein forms Q1933E.
Identifiers: ClinVar variation 3042070 (VCV003042070.2), dbSNP rs532769963, ClinGen allele CA9001223.
Genomic context (GRCh38, chr18:75,063,518, plus strand): 5'-GCCACGAGTCAGAGCGGGGCACATGTAGGCAGCGTGGTGCCCGGACCCATCCTCCCCGAG[C>G]AGCTGGCTGATGGAGCCACCCAGGTGGTCGTCGTGGGGGGCTCCATGGAAGGCCACGGCA-3'
Protein context (NP_060227.2, residues 1923-1943): SVVPGPILPE[Gln1933Glu]LADGATQVVV

ClinVar aggregate classification (germline): Benign (0 of 4 stars; one submission).

Conditions:
ZNF407-related disorder. Also called: ZNF407-related condition.

Allele frequency attached by ClinVar (database versions not stated): TOPMed 0.00008; gnomAD 0.00031; 1000 Genomes Project 30x 0.00203; 1000 Genomes Project 0.00220; ExAC 0.00248.
gnomAD v4.1: 876 of 1,581,644 alleles (0.055%); highest among the groups gnomAD compares: South Asian, 0.84%; 11 homozygotes.

Submission:

PreventionGenetics, part of Exact Sciences
Classification: Benign for ZNF407-related condition. Last evaluated: 2019-05-08. Review status: no assertion criteria provided. Collection method: clinical testing. Allele origin: germline.
Comment: This variant is classified as benign based on ACMG/AMP sequence variant interpretation guidelines (Richards et al. 2015 PMID: 25741868, with internal and published modifications).